The following is an entry in ClinVar:

ClinVar aggregate classification (germline): Likely benign (1 of 4 stars; one submission).

gnomAD v4.1: 60 of 1,614,066 alleles (0.0037%); highest among the groups gnomAD compares: Non-Finnish European, 0.0042%; no homozygotes.

Submission:

CeGaT Center for Human Genetics Tuebingen
Classification: Likely benign. Last evaluated: 2025-07-01. Review status: criteria provided, single submitter. Criteria: CeGaT Center For Human Genetics Tuebingen Variant Classification Criteria Version 2. Collection method: clinical testing. Allele origin: germline. Affected: yes. Observed: 1 variant allele.
Comment: TAOK1: PP2, BS2

NM_020791.4(TAOK1):c.1117G>T (p.Asp373Tyr)

Gene: TAOK1 (TAO kinase 1; plus strand). Cytogenetic location: 17q11.2.
Variant type: single nucleotide variant.
Coding change: c.1117G>T on transcript NM_020791.4 (MANE Select); coding-DNA position 1117, G replaced by T.
Protein change: p.Asp373Tyr; replaces aspartic acid 373 with tyrosine.
Molecular consequence: missense variant.
Genome position (GRCh38, 1-based): chr17:29,498,435, G>T. VCF-style: chr17-29498435-G-T. GRCh37 (hg19) VCF-style: chr17-27825453-G-T.
Other names: c.1117G>T, p.Asp373Tyr (NM_025142.1); short protein forms D373Y.
Identifiers: ClinVar variation 4084901 (VCV004084901.8).